The following is an entry in ClinVar:

NM_001166114.2(PNPLA6):c.3002del (p.Gly1001fs)

Gene: PNPLA6 (patatin like domain 6, lysophospholipase; plus strand). Cytogenetic location: 19p13.2.
Variant type: Deletion.
Coding change: c.3002del on transcript NM_001166114.2 (MANE Select); coding-DNA position 3002, one base deleted (G; older notation c.3002delG).
Protein change: p.Gly1001fs; shifts the reading frame from glycine 1001.
Molecular consequence: frameshift variant.
Genome position (GRCh38, 1-based): chr19:7,555,672, G deleted; the last of 3 consecutive G bases (chr19:7,555,670-7,555,672); deleting any one gives the same sequence. VCF-style (leftmost placement, unchanged base first): chr19-7555669-TG-T. GRCh37 (hg19) VCF-style: chr19-7620555-TG-T.
Other names: c.3032del, p.Gly1011fs (NM_001166111.2); c.2807del, p.Gly936fs (NM_001166112.2); c.2888del, p.Gly963fs (NM_001166113.1, NM_006702.5); short protein forms G1001fs, G963fs, G1011fs, G936fs.
Identifiers: ClinVar variation 4706918 (VCV004706918.1).
Genomic context (GRCh38, chr19:7,555,669, plus strand): 5'-GCTGCTCGCACATCGGAGTACTAAAGGCATTAGAGGAGGCGGGGGTCCCCGTGGACCTGG[TG>T]GGCGGCACGTCCATTGGCTCTTTCATCGGAGCGTTGTACGCGGAGGAGCGCAGCGCCAGC-3'

ClinVar aggregate classification (germline): Pathogenic (1 of 4 stars; one submission).

Conditions:
Hereditary spastic paraplegia 39 (SPG39). Also called: Spastic Paraplegia Type 39 (SPG39); SPASTIC PARAPLEGIA 39, AUTOSOMAL RECESSIVE. Identifiers: Orphanet 139480, MedGen C2677586, MONDO:0012787, OMIM 612020.

Submission:

Labcorp Genetics (formerly Invitae), Labcorp
Classification: Pathogenic for Hereditary spastic paraplegia 39. Last evaluated: 2025-03-27. Review status: criteria provided, single submitter. Criteria: Invitae Variant Classification Sherloc (09022015). Collection method: clinical testing. Allele origin: germline.
Comment: This sequence change creates a premature translational stop signal (p.Gly963Alafs*33) in the PNPLA6 gene. It is expected to result in an absent or disrupted protein product. Loss-of-function variants in PNPLA6 are known to be pathogenic (PMID: 24355708). This variant is not present in population databases (gnomAD no frequency). This variant has not been reported in the literature in individuals affected with PNPLA6-related conditions. For these reasons, this variant has been classified as Pathogenic.

Literature cited by the submitters: PubMed 24355708.